The following is an entry in ClinVar:

NM_000868.4(HTR2C):c.21G>A (p.Ala7=)

Gene: HTR2C (5-hydroxytryptamine receptor 2C; plus strand). Cytogenetic location: Xq23.
Variant type: single nucleotide variant.
Coding change: c.21G>A on transcript NM_000868.4 (MANE Select); coding-DNA position 21, G replaced by A.
Protein change: p.Ala7=; no amino-acid change (alanine 7 retained).
Molecular consequence: synonymous variant.
Genome position (GRCh38, 1-based): chrX:114,726,957, G>A. VCF-style: chrX-114726957-G-A. GRCh37 (hg19) VCF-style: chrX-113961366-G-A.
Other names: c.21G>A, p.Ala7= (NM_001256760.3, NM_001256761.3).
Identifiers: ClinVar variation 3038696 (VCV003038696.2), dbSNP rs202034357, ClinGen allele CA10495350.

ClinVar aggregate classification (germline): Likely benign (0 of 4 stars; one submission).

Conditions:
HTR2C-related disorder. Also called: HTR2C-related condition.

Allele frequency attached by ClinVar (database versions not stated): gnomAD 0.00008; ESP Exome Variant Server 0.00009; TOPMed 0.00009; gnomAD exomes 0.00012; ExAC 0.00035.
gnomAD v4.1: 125 of 1,112,110 alleles (0.011%); highest among the groups gnomAD compares: South Asian, 0.075%; no homozygotes.

Submission:

PreventionGenetics, part of Exact Sciences
Classification: Likely benign for HTR2C-related condition. Last evaluated: 2023-01-11. Review status: no assertion criteria provided. Collection method: clinical testing. Allele origin: germline.
Comment: This variant is classified as likely benign based on ACMG/AMP sequence variant interpretation guidelines (Richards et al. 2015 PMID: 25741868, with internal and published modifications).